The following is an entry in ClinVar:

ClinVar aggregate classification (germline): Uncertain significance. Review status: criteria provided, multiple submitters, no conflicts (2 of 4 stars). 2 submissions from 2 submitters: Uncertain significance (2). Last evaluated 2024-04-15.

Conditions:
Familial adenomatous polyposis 1 (FAP1). Also called: FAMILIAL ADENOMATOUS POLYPOSIS 1, ATTENUATED; POLYPOSIS, ADENOMATOUS INTESTINAL. Identifiers: MedGen C2713442, MONDO:0021056, OMIM 175100. Disease mechanism: loss of function.
Hereditary cancer-predisposing syndrome. Also called: Neoplastic Syndromes, Hereditary; Tumor predisposition; Hereditary neoplastic syndrome; Hereditary Cancer Syndrome. Identifiers: Orphanet 140162, MedGen C0027672, MeSH D009386, MONDO:0015356.

Allele frequency attached by ClinVar (database versions not stated): ExAC 0.00001; gnomAD 0.00001; gnomAD exomes 0.00001; 1000 Genomes Project 30x 0.00016; 1000 Genomes Project 0.00020.
gnomAD v4.1: 13 of 1,613,734 alleles (0.00081%); highest among the groups gnomAD compares: Non-Finnish European, 0.0011%; no homozygotes.

Submissions (2):

Labcorp Genetics (formerly Invitae), Labcorp
Classification: Uncertain significance for Familial adenomatous polyposis 1. Last evaluated: 2024-04-15. Review status: criteria provided, single submitter. Criteria: Invitae Variant Classification Sherloc (09022015). Collection method: clinical testing. Allele origin: germline.
Comment: This sequence change replaces glutamine, which is neutral and polar, with arginine, which is basic and polar, at codon 473 of the APC protein (p.Gln473Arg). This variant is present in population databases (rs190988940, gnomAD 0.0009%). This variant has not been reported in the literature in individuals affected with APC-related conditions. ClinVar contains an entry for this variant (Variation ID: 642536). Advanced modeling of protein sequence and biophysical properties (such as structural, functional, and spatial information, amino acid conservation, physicochemical variation, residue mobility, and thermodynamic stability) performed at Invitae indicates that this missense variant is not expected to disrupt APC protein function with a negative predictive value of 95%. In summary, the available evidence is currently insufficient to determine the role of this variant in disease. Therefore, it has been classified as a Variant of Uncertain Significance.

Ambry Genetics
Classification: Uncertain significance for Hereditary cancer-predisposing syndrome. Last evaluated: 2024-03-05. Review status: criteria provided, single submitter. Criteria: Ambry Variant Classification Scheme 2023. Collection method: clinical testing. Allele origin: germline.
Comment: The p.Q473R variant (also known as c.1418A>G), located in coding exon 11 of the APC gene, results from an A to G substitution at nucleotide position 1418. The glutamine at codon 473 is replaced by arginine, an amino acid with highly similar properties. This amino acid position is highly conserved in available vertebrate species. In addition, in silico predictors for this gene do not accurately predict pathogenicity. Since supporting evidence is limited at this time, the clinical significance of this alteration remains unclear.

NM_000038.6(APC):c.1418A>G (p.Gln473Arg)

Gene: APC (APC regulator of Wnt signaling pathway; plus strand). Cytogenetic location: 5q22.2.
Variant type: single nucleotide variant.
Coding change: c.1418A>G on transcript NM_000038.6 (MANE Select); coding-DNA position 1418, A replaced by G.
Protein change: p.Gln473Arg; replaces glutamine 473 with arginine.
Molecular consequence: missense variant.
Genome position (GRCh38, 1-based): chr5:112,827,117, A>G. VCF-style: chr5-112827117-A-G. GRCh37 (hg19) VCF-style: chr5-112162814-A-G.
Other names: c.1418A>G, p.Gln473Arg (NM_001127510.3, NM_001354895.2); c.1364A>G, p.Gln455Arg (NM_001127511.3); c.1472A>G, p.Gln491Arg (NM_001354896.2); c.1448A>G, p.Gln483Arg (NM_001354897.2); c.1343A>G, p.Gln448Arg (NM_001354898.2); c.1334A>G, p.Gln445Arg (NM_001354899.2); c.1295A>G, p.Gln432Arg (NM_001354900.2); c.1241A>G, p.Gln414Arg (NM_001354901.2); and 5 more; short protein forms Q445R, Q190R, Q313R, Q382R, Q448R, Q483R, Q491R, Q372R.
Identifiers: ClinVar variation 642536 (VCV000642536.14), dbSNP rs190988940, ClinGen allele CA027683.